The following is an entry in ClinVar:

NM_000426.4(LAMA2):c.3735+1G>A

Gene: LAMA2 (laminin subunit alpha 2; plus strand). Cytogenetic location: 6q22.33.
Variant type: single nucleotide variant.
Coding change: c.3735+1G>A on transcript NM_000426.4 (MANE Select); the canonical splice donor site of the intron after coding-DNA position 3735, G replaced by A.
Molecular consequence: splice donor variant.
Genome position (GRCh38, 1-based): chr6:129,315,656, G>A. VCF-style: chr6-129315656-G-A. GRCh37 (hg19) VCF-style: chr6-129636801-G-A.
Other names: c.3735+1G>A (NM_001079823.2).
Identifiers: ClinVar variation 1986543 (VCV001986543.5), dbSNP rs2482415741, ClinGen allele CA365613151.

ClinVar aggregate classification (germline): Likely pathogenic. Review status: criteria provided, multiple submitters, no conflicts (2 of 4 stars). 2 submissions from 2 submitters: Likely pathogenic (2). Last evaluated 2023-04-20.

Conditions:
LAMA2-related muscular dystrophy (LAMA2-RD). Also called: Laminin alpha 2-related dystrophy. Identifiers: MedGen C5679788, MONDO:0100228.
Merosin deficient congenital muscular dystrophy (MDC1A). Also called: Congenital merosin-deficient muscular dystrophy 1A; Congenital Muscular Dystrophy Type 1A (MDC1A). Identifiers: Orphanet 258, MedGen C1263858, MONDO:0011925, OMIM 607855.

Submissions (2):

Baylor Genetics
Classification: Likely pathogenic for Merosin deficient congenital muscular dystrophy. Last evaluated: 2023-04-20. Review status: criteria provided, single submitter. Criteria: ACMG Guidelines, 2015. Collection method: clinical testing. Allele origin: unknown.

Labcorp Genetics (formerly Invitae), Labcorp
Classification: Likely pathogenic for LAMA2-related muscular dystrophy. Last evaluated: 2022-09-29. Review status: criteria provided, single submitter. Criteria: Invitae Variant Classification Sherloc (09022015). Collection method: clinical testing. Allele origin: germline.
Comment: This sequence change affects a donor splice site in intron 25 of the LAMA2 gene. It is expected to disrupt RNA splicing. Variants that disrupt the donor or acceptor splice site typically lead to a loss of protein function (PMID: 16199547), and loss-of-function variants in LAMA2 are known to be pathogenic (PMID: 18700894, 32904964). This variant is not present in population databases (gnomAD no frequency). This variant has not been reported in the literature in individuals affected with LAMA2-related conditions. Algorithms developed to predict the effect of sequence changes on RNA splicing suggest that this variant may disrupt the consensus splice site. In summary, the currently available evidence indicates that the variant is pathogenic, but additional data are needed to prove that conclusively. Therefore, this variant has been classified as Likely Pathogenic.

Literature cited by the submitters: PubMed 16199547 (cited by Labcorp Genetics (formerly Invitae), Labcorp); PubMed 18700894 (cited by Labcorp Genetics (formerly Invitae), Labcorp); PubMed 32904964 (cited by Labcorp Genetics (formerly Invitae), Labcorp).